The following is an entry in ClinVar:

NM_000218.3(KCNQ1):c.1514+26372C>T

Genes: KCNQ1 (potassium voltage-gated channel subfamily Q member 1; plus strand), KCNQ1OT1 (KCNQ1 opposite strand/antisense transcript 1; minus strand). Cytogenetic location: 11p15.5.
Variant type: single nucleotide variant.
Coding change: c.1514+26372C>T on transcript NM_000218.3 (MANE Select); 26372 bases into the intron after coding-DNA position 1514, C replaced by T.
Molecular consequence: intron variant. On other transcripts: non-coding transcript variant (1).
Genome position (GRCh38, 1-based): chr11:2,688,453, C>T. VCF-style: chr11-2688453-C-T. GRCh37 (hg19) VCF-style: chr11-2709683-C-T.
Other names: c.1244+26372C>T (NM_001406837.1); c.1418+26372C>T (NM_001406836.1); c.974+26372C>T (NM_001406838.1); c.1133+26372C>T (NM_181798.2).
Identifiers: ClinVar variation 4988683 (VCV004988683.1).

ClinVar aggregate classification (germline): Likely benign (1 of 4 stars; one submission).

Conditions:
KCNQ1-related disorder. Also called: KCNQ1-related condition; KCNQ1-related disorders. Identifiers: MedGen CN239322.

gnomAD v4.1: 2 of 398,754 alleles (0.0005%); highest among the groups gnomAD compares: South Asian, 0.013%; no homozygotes.

Submission:

PreventionGenetics, part of Exact Sciences
Classification: Likely benign for KCNQ1-related condition. Last evaluated: 2026-07-20. Review status: criteria provided, single submitter. Criteria: ACMG Guidelines, 2015. Collection method: clinical testing. Allele origin: germline.
Comment: This variant is classified as likely benign based on ACMG/AMP sequence variant interpretation guidelines (Richards et al. 2015 PMID: 25741868, with internal and published modifications).